The following is an entry in ClinVar:

ClinVar aggregate classification (germline): Uncertain significance. Review status: criteria provided, multiple submitters, no conflicts (2 of 4 stars). 2 submissions from 2 submitters: Uncertain significance (2). Last evaluated 2022-07-06.

Conditions:
Emery-Dreifuss muscular dystrophy 4, autosomal dominant (EDMD4). Also called: EMERY-DREIFUSS MUSCULAR DYSTROPHY 4 WITH VARIABLE FEATURES. Identifiers: Orphanet 261, MedGen C2751807, MONDO:0013071, OMIM 612998.
Autosomal recessive ataxia, Beauce type. Also called: SYNE1 Deficiency; Spinocerebellar ataxia, autosomal recessive 8; ATAXIA, RECESSIVE, OF BEAUCE; SYNE1-Related Autosomal Recessive Cerebellar Ataxia. Identifiers: Orphanet 88644, MedGen C1853116, MONDO:0012549, OMIM 610743.

Allele frequency attached by ClinVar (database versions not stated): gnomAD exomes 0.00001 and 0.00003; ExAC 0.00005; gnomAD 0.00015 and 0.00019; TOPMed 0.00021.
gnomAD v4.1: 39 of 1,613,992 alleles (0.0024%); highest among the groups gnomAD compares: African/African-American, 0.051%; no homozygotes.

Submissions (2):

Labcorp Genetics (formerly Invitae), Labcorp
Classification: Uncertain significance for Emery-Dreifuss muscular dystrophy 4, autosomal dominant; Autosomal recessive ataxia, Beauce type. Last evaluated: 2022-07-06. Review status: criteria provided, single submitter. Criteria: Invitae Variant Classification Sherloc (09022015). Collection method: clinical testing. Allele origin: germline.
Comment: This sequence change replaces isoleucine, which is neutral and non-polar, with methionine, which is neutral and non-polar, at codon 7203 of the SYNE1 protein (p.Ile7203Met). This variant is present in population databases (rs770171807, gnomAD 0.04%). This variant has not been reported in the literature in individuals affected with SYNE1-related conditions. ClinVar contains an entry for this variant (Variation ID: 501037). Algorithms developed to predict the effect of missense changes on protein structure and function are either unavailable or do not agree on the potential impact of this missense change (SIFT: "Deleterious"; PolyPhen-2: "Probably Damaging"; Align-GVGD: "Class C0"). In summary, the available evidence is currently insufficient to determine the role of this variant in disease. Therefore, it has been classified as a Variant of Uncertain Significance.

Eurofins Ntd Llc (ga)
Classification: Uncertain significance. Last evaluated: 2017-03-28. Review status: criteria provided, single submitter. Criteria: EGL Classification Definitions 2015. Collection method: clinical testing. Allele origin: germline. Observed: 2 variant alleles, 2 heterozygotes.

NM_182961.4(SYNE1):c.21822T>G (p.Ile7274Met)

Gene: SYNE1 (spectrin repeat containing nuclear envelope protein 1; minus strand). Cytogenetic location: 6q25.2.
Variant type: single nucleotide variant.
Coding change: c.21822T>G on transcript NM_182961.4 (MANE Select); coding-DNA position 21822, T replaced by G.
Protein change: p.Ile7274Met; replaces isoleucine 7274 with methionine.
Molecular consequence: missense variant.
Genome position (GRCh38, 1-based): chr6:152,220,881, A>C on the plus strand (T>G on the coding strand, the complement: SYNE1 is on the minus strand). VCF-style: chr6-152220881-A-C. GRCh37 (hg19) VCF-style: chr6-152542016-A-C.
Other names: c.21609T>G, p.Ile7203Met (NM_033071.5); short protein forms I7203M, I7274M.
Identifiers: ClinVar variation 501037 (VCV000501037.10), dbSNP rs770171807, ClinGen allele CA4054053.